The following is an entry in ClinVar:

NM_000343.4(SLC5A1):c.272G>C (p.Gly91Ala)

Gene: SLC5A1 (solute carrier family 5 member 1; plus strand). Cytogenetic location: 22q12.3.
Variant type: single nucleotide variant.
Coding change: c.272G>C on transcript NM_000343.4 (MANE Select); coding-DNA position 272, G replaced by C.
Protein change: p.Gly91Ala; replaces glycine 91 with alanine.
Molecular consequence: missense variant. On other transcripts: 5 prime UTR variant (1).
Genome position (GRCh38, 1-based): chr22:32,066,999, G>C. VCF-style: chr22-32066999-G-C. GRCh37 (hg19) VCF-style: chr22-32462986-G-C.
Other names: c.-110G>C (NM_001256314.2); short protein forms G91A.
Identifiers: ClinVar variation 1475183 (VCV001475183.8), dbSNP rs2149487772, ClinGen allele CA411314101.

ClinVar aggregate classification (germline): Uncertain significance (1 of 4 stars; one submission).

Conditions:
Congenital glucose-galactose malabsorption (GGM). Also called: DIARRHEA 16; MONOSACCHARIDE MALABSORPTION. Identifiers: Orphanet 35710, MedGen C0268186, MONDO:0011731, OMIM 606824.

Submission:

Labcorp Genetics (formerly Invitae), Labcorp
Classification: Uncertain significance for Congenital glucose-galactose malabsorption. Last evaluated: 2021-07-14. Review status: criteria provided, single submitter. Criteria: Invitae Variant Classification Sherloc (09022015). Collection method: clinical testing. Allele origin: germline.
Comment: Algorithms developed to predict the effect of missense changes on protein structure and function (SIFT, PolyPhen-2, Align-GVGD) all suggest that this variant is likely to be tolerated. This sequence change replaces glycine with alanine at codon 91 of the SLC5A1 protein (p.Gly91Ala). The glycine residue is moderately conserved and there is a small physicochemical difference between glycine and alanine. This variant is not present in population databases (ExAC no frequency). This variant has not been reported in the literature in individuals affected with SLC5A1-related conditions. In summary, the available evidence is currently insufficient to determine the role of this variant in disease. Therefore, it has been classified as a Variant of Uncertain Significance.